The following is an entry in ClinVar:

NM_203447.4(DOCK8):c.741+2043G>A

Gene: DOCK8 (dedicator of cytokinesis 8; plus strand). Cytogenetic location: 9p24.3.
Variant type: single nucleotide variant.
Coding change: c.741+2043G>A on transcript NM_203447.4 (MANE Select); 2043 bases into the intron after coding-DNA position 741, G replaced by A.
Molecular consequence: intron variant.
Genome position (GRCh38, 1-based): chr9:314,209, G>A. VCF-style: chr9-314209-G-A. GRCh37 (hg19) VCF-style: chr9-314209-G-A.
Other names: c.537+2043G>A (NM_001193536.2, NM_001190458.2).
Identifiers: ClinVar variation 2688171 (VCV002688171.2), dbSNP rs2296821, ClinGen allele CA15625422.

ClinVar aggregate classification (germline): Benign (1 of 4 stars; one submission).

Allele frequency attached by ClinVar (database versions not stated): 1000 Genomes Project 30x 0.17021; 1000 Genomes Project 0.17053; gnomAD 0.19352; TOPMed 0.19559.

Submission:

Unidad de Genómica Garrahan, Hospital de Pediatría Garrahan
Classification: Benign. Last evaluated: 2024-01-24. Review status: criteria provided, single submitter. Criteria: ACMG Guidelines, 2015. Collection method: clinical testing. Allele origin: germline. Affected: no. Observed: 41 variant alleles.
Comment: This variant is classified as Benign based on local population frequency. This variant was detected in 43% of patients studied by a panel of primary immunodeficiencies. Number of patients: 41. Only high quality variants are reported.